The following is an entry in ClinVar:

NM_001042492.3(NF1):c.544_548del (p.Tyr182fs)

Gene: NF1 (neurofibromin 1; plus strand). Cytogenetic location: 17q11.2.
Variant type: Deletion.
Coding change: c.544_548del on transcript NM_001042492.3 (MANE Select); coding-DNA positions 544 to 548, 5 bases deleted (TATAT; older notation c.544_548delTATAT).
Protein change: p.Tyr182fs; shifts the reading frame from tyrosine 182.
Molecular consequence: frameshift variant.
Genome position (GRCh38, 1-based): chr17:31,169,955-31,169,959, TATAT deleted. VCF-style (leftmost placement, unchanged base first): chr17-31169954-GTATAT-G. GRCh37 (hg19) VCF-style: chr17-29496972-GTATAT-G.
Other names: c.544_548delTATAT (NM_000267.3); c.544_548delTATAT, p.Tyr182Glnfs (NM_000267.4); c.544_548del, p.Tyr182fs (NM_001128147.3); short protein forms Y182fs.
Identifiers: ClinVar variation 3879137 (VCV003879137.1).

ClinVar aggregate classification (germline): Pathogenic (1 of 4 stars; one submission).

Conditions:
Cardiovascular phenotype. Identifiers: MedGen CN230736.
Hereditary cancer-predisposing syndrome. Also called: Tumor predisposition; Neoplastic Syndromes, Hereditary; Hereditary Cancer Syndrome; Hereditary neoplastic syndrome. Identifiers: Orphanet 140162, MedGen C0027672, MeSH D009386, MONDO:0015356.

Submission:

Ambry Genetics
Classification: Pathogenic for Cardiovascular phenotype; Hereditary cancer-predisposing syndrome. Last evaluated: 2025-03-13. Review status: criteria provided, single submitter. Criteria: Ambry Variant Classification Scheme 2023. Collection method: clinical testing. Allele origin: germline.
Comment: The c.544_548delTATAT pathogenic mutation, located in coding exon 5 of the NF1 gene, results from a deletion of 5 nucleotides at nucleotide positions 544 to 548, causing a translational frameshift with a predicted alternate stop codon (p.Y182Qfs*17). This variant was reported in individual(s) with features consistent with neurofibromatosis type 1 (Ambry internal data). This variant is considered to be rare based on population cohorts in the Genome Aggregation Database (gnomAD). This alteration is expected to result in loss of function by premature protein truncation or nonsense-mediated mRNA decay. As such, this alteration is interpreted as a disease-causing mutation.